The following is an entry in ClinVar:

NM_001162501.2(TNRC6B):c.3241A>G (p.Ser1081Gly)

Gene: TNRC6B (trinucleotide repeat containing adaptor 6B; plus strand). Cytogenetic location: 22q13.1.
Variant type: single nucleotide variant.
Coding change: c.3241A>G on transcript NM_001162501.2 (MANE Select); coding-DNA position 3241, A replaced by G.
Protein change: p.Ser1081Gly; replaces serine 1081 with glycine.
Molecular consequence: missense variant.
Genome position (GRCh38, 1-based): chr22:40,278,023, A>G. VCF-style: chr22-40278023-A-G. GRCh37 (hg19) VCF-style: chr22-40674027-A-G.
Other names: c.1000A>G, p.Ser334Gly (NM_001024843.2); c.3082A>G, p.Ser1028Gly (NM_015088.3); short protein forms S1028G, S1081G, S334G.
Identifiers: ClinVar variation 2635113 (VCV002635113.1), dbSNP rs1414017773, ClinGen allele CA411649145.

ClinVar aggregate classification (germline): Uncertain significance (1 of 4 stars; one submission).

Conditions:
TNRC6B-related disorder. Also called: TNRC6B-related condition.

Submission:

PreventionGenetics, part of Exact Sciences
Classification: Uncertain significance for TNRC6B-related condition. Last evaluated: 2022-12-19. Review status: criteria provided, single submitter. Criteria: ACMG Guidelines, 2015. Collection method: clinical testing. Allele origin: germline.
Comment: The TNRC6B c.3241A>G variant is predicted to result in the amino acid substitution p.Ser1081Gly. To our knowledge, this variant has not been reported in the literature or in a large population database, indicating this variant is rare. At this time, the clinical significance of this variant is uncertain due to the absence of conclusive functional and genetic evidence.